The following is an entry in ClinVar:

ClinVar aggregate classification (germline): Conflicting classifications of pathogenicity. Review status: criteria provided, conflicting classifications (1 of 4 stars). 5 submissions from 5 submitters: Uncertain significance (2); Likely benign (3). Last evaluated 2025-07-01.

Conditions:
Charcot-Marie-Tooth disease dominant intermediate E. Also called: CHARCOT-MARIE-TOOTH NEUROPATHY WITH FOCAL SEGMENTAL GLOMERULONEPHRITIS. Identifiers: Orphanet 93114, MedGen C4302667, MONDO:0013758, OMIM 614455.
Focal segmental glomerulosclerosis 5 (FSGS5). Identifiers: Orphanet 656, MedGen C2750475, MONDO:0013191, OMIM 613237.
Inborn genetic diseases. Identifiers: MedGen C0950123, MeSH D030342.

Allele frequency attached by ClinVar (database versions not stated): gnomAD 0.00001 and 0.00002; gnomAD exomes 0.00002; TOPMed 0.00002; ExAC 0.00003.
gnomAD v4.1: 48 of 1,612,948 alleles (0.003%); highest among the groups gnomAD compares: Non-Finnish European, 0.0036%; no homozygotes.

Submissions (5):

CeGaT Center for Human Genetics Tuebingen
Classification: Likely benign. Last evaluated: 2025-07-01. Review status: criteria provided, single submitter. Criteria: CeGaT Center For Human Genetics Tuebingen Variant Classification Criteria Version 2. Collection method: clinical testing. Allele origin: germline. Affected: yes. Observed: 1 variant allele.
Comment: INF2: BP4

Labcorp Genetics (formerly Invitae), Labcorp
Classification: Uncertain significance for Charcot-Marie-Tooth disease dominant intermediate E; Focal segmental glomerulosclerosis 5. Last evaluated: 2025-03-19. Review status: criteria provided, single submitter. Criteria: Invitae Variant Classification Sherloc (09022015). Collection method: clinical testing. Allele origin: germline.
Comment: This sequence change replaces threonine, which is neutral and polar, with methionine, which is neutral and non-polar, at codon 170 of the INF2 protein (p.Thr170Met). This variant is present in population databases (rs767698763, gnomAD 0.01%). This variant has not been reported in the literature in individuals affected with INF2-related conditions. ClinVar contains an entry for this variant (Variation ID: 1003777). An algorithm developed to predict the effect of missense changes on protein structure and function outputs the following: PolyPhen-2: "Benign". The methionine amino acid residue is found in multiple mammalian species, which suggests that this missense change does not adversely affect protein function. In summary, the available evidence is currently insufficient to determine the role of this variant in disease. Therefore, it has been classified as a Variant of Uncertain Significance.

Blueprint Genetics
Classification: Likely benign. Last evaluated: 2024-09-02. Review status: criteria provided, single submitter. Criteria: ACMG Guidelines, 2015. Collection method: clinical testing. Allele origin: germline.

Fulgent Genetics
Classification: Uncertain significance for Focal segmental glomerulosclerosis 5; Charcot-Marie-Tooth disease dominant intermediate E. Last evaluated: 2024-02-02. Review status: criteria provided, single submitter. Criteria: ACMG Guidelines, 2015. Collection method: clinical testing. Allele origin: germline.

Ambry Genetics
Classification: Likely benign for Inborn genetic diseases. Last evaluated: 2023-12-12. Review status: criteria provided, single submitter. Criteria: Ambry Variant Classification Scheme 2023. Collection method: clinical testing. Allele origin: germline.

NM_022489.4(INF2):c.509C>T (p.Thr170Met)

Gene: INF2 (inverted formin 2; plus strand). Cytogenetic location: 14q32.33.
Variant type: single nucleotide variant.
Coding change: c.509C>T on transcript NM_022489.4 (MANE Select); coding-DNA position 509, C replaced by T.
Protein change: p.Thr170Met; replaces threonine 170 with methionine.
Molecular consequence: missense variant.
Genome position (GRCh38, 1-based): chr14:104,703,296, C>T. VCF-style: chr14-104703296-C-T. GRCh37 (hg19) VCF-style: chr14-105169633-C-T.
Other names: c.509C>T, p.Thr170Met (NM_001031714.4, NM_032714.3); c.509C>T (NM_022489.3); short protein forms T170M.
Identifiers: ClinVar variation 1003777 (VCV001003777.19), dbSNP rs767698763, ClinGen allele CA7372322.